The following is an entry in ClinVar:

ClinVar aggregate classification (germline): Uncertain significance (0 of 4 stars; one submission).

Conditions:
TRPM6-related disorder. Also called: TRPM6-related condition.

Submission:

PreventionGenetics, part of Exact Sciences
Classification: Uncertain significance for TRPM6-related condition. Last evaluated: 2024-02-01. Review status: no assertion criteria provided. Collection method: clinical testing. Allele origin: germline.
Comment: The TRPM6 c.3150A>G variant is not predicted to result in an amino acid change (p.=). However, this variant is predicted to significantly strengthen an acceptor splice site within the exon and may result in aberrant splicing. To our knowledge, this variant has not been reported in the literature or in a large population database, indicating this variant is rare. At this time, the clinical significance of this variant is uncertain due to the absence of conclusive functional and genetic evidence.

NM_017662.5(TRPM6):c.3150A>G (p.Gln1050=)

Gene: TRPM6 (transient receptor potential cation channel subfamily M member 6; minus strand). Cytogenetic location: 9q21.13.
Variant type: single nucleotide variant.
Coding change: c.3150A>G on transcript NM_017662.5 (MANE Select); coding-DNA position 3150, A replaced by G.
Protein change: p.Gln1050=; no amino-acid change (glutamine 1050 retained).
Molecular consequence: synonymous variant.
Genome position (GRCh38, 1-based): chr9:74,782,421, T>C on the plus strand (A>G on the coding strand, the complement: TRPM6 is on the minus strand). VCF-style: chr9-74782421-T-C. GRCh37 (hg19) VCF-style: chr9-77397337-T-C.
Other names: c.3135A>G, p.Gln1045= (NM_001177310.2, NM_001177311.2).
Identifiers: ClinVar variation 3061452 (VCV003061452.2), dbSNP rs2489966916, ClinGen allele CA465505293.